The following is an entry in ClinVar:

ClinVar aggregate classification (germline): Uncertain significance. Review status: criteria provided, multiple submitters, no conflicts (2 of 4 stars). 2 submissions from 2 submitters: Uncertain significance (2). Last evaluated 2024-08-23.

Conditions:
Primary dilated cardiomyopathy (DCM). Also called: Dilated Cardiomyopathy. Identifiers: Orphanet 217604, MedGen C0007193, MeSH D002311, MONDO:0005021, HP:0001644. Inheritance: Various modes of inheritance.

Allele frequency attached by ClinVar (database versions not stated): TOPMed 0.00001.
gnomAD v4.1: 2 of 1,613,134 alleles (0.00012%); highest among the groups gnomAD compares: African/African-American, 0.0027%; no homozygotes.

Submissions (2):

Ambry Genetics
Classification: Uncertain significance. Last evaluated: 2024-08-23. Review status: criteria provided, single submitter. Criteria: Ambry Variant Classification Scheme 2023. Collection method: clinical testing. Allele origin: germline.
Comment: The p.R882L variant (also known as c.2645G>T), located in coding exon 26 of the NEBL gene, results from a G to T substitution at nucleotide position 2645. The arginine at codon 882 is replaced by leucine, an amino acid with dissimilar properties. This amino acid position is conserved. In addition, this alteration is predicted to be tolerated by in silico analysis. Based on the available evidence, the clinical significance of this variant remains unclear.

Labcorp Genetics (formerly Invitae), Labcorp
Classification: Uncertain significance for Primary dilated cardiomyopathy. Last evaluated: 2019-07-04. Review status: criteria provided, single submitter. Criteria: Invitae Variant Classification Sherloc (09022015). Collection method: clinical testing. Allele origin: germline.
Comment: In summary, the available evidence is currently insufficient to determine the role of this variant in disease. Therefore, it has been classified as a Variant of Uncertain Significance. Algorithms developed to predict the effect of missense changes on protein structure and function (SIFT, PolyPhen-2, Align-GVGD) all suggest that this variant is likely to be tolerated, but these predictions have not been confirmed by published functional studies and their clinical significance is uncertain. This variant has not been reported in the literature in individuals with NEBL-related disease. This variant is not present in population databases (ExAC no frequency). This sequence change replaces arginine with leucine at codon 882 of the NEBL protein (p.Arg882Leu). The arginine residue is weakly conserved and there is a moderate physicochemical difference between arginine and leucine.

NM_006393.3(NEBL):c.2645G>T (p.Arg882Leu)

Gene: NEBL (nebulette; minus strand). Cytogenetic location: 10p12.31.
Variant type: single nucleotide variant.
Coding change: c.2645G>T on transcript NM_006393.3 (MANE Select); coding-DNA position 2645, G replaced by T.
Protein change: p.Arg882Leu; replaces arginine 882 with leucine.
Molecular consequence: missense variant. On other transcripts: intron variant (9).
Genome position (GRCh38, 1-based): chr10:20,808,626, C>A on the plus strand (G>T on the coding strand, the complement: NEBL is on the minus strand). VCF-style: chr10-20808626-C-A. GRCh37 (hg19) VCF-style: chr10-21097555-C-A.
Other names: c.421+4143G>T (NM_001377326.1, NM_001377327.1, NM_001377328.1); c.529+4143G>T (NM_213569.2, NM_001173484.2); c.622+1180G>T (NM_001377322.1); c.472+4143G>T (NM_001377324.1); c.463+4143G>T (NM_001377325.1); c.481+4143G>T (NM_001377323.1); short protein forms R882L.
Identifiers: ClinVar variation 568604 (VCV000568604.12), dbSNP rs758877499, ClinGen allele CA376092875.